The following is an entry in ClinVar:

ClinVar aggregate classification (germline): Uncertain significance (1 of 4 stars; one submission).

Allele frequency attached by ClinVar (database versions not stated): gnomAD 0.00001.
gnomAD v4.1: 2 of 1,613,912 alleles (0.00012%); highest among the groups gnomAD compares: African/African-American, 0.0027%; no homozygotes.

Submission:

Labcorp Genetics (formerly Invitae), Labcorp
Classification: Uncertain significance. Last evaluated: 2021-05-20. Review status: criteria provided, single submitter. Criteria: Invitae Variant Classification Sherloc (09022015). Collection method: clinical testing. Allele origin: germline.
Comment: This sequence change replaces phenylalanine with leucine at codon 316 of the CYP19A1 protein (p.Phe316Leu). The phenylalanine residue is highly conserved and there is a small physicochemical difference between phenylalanine and leucine. This variant is not present in population databases (ExAC no frequency). This variant has not been reported in the literature in individuals with CYP19A1-related disease. Algorithms developed to predict the effect of missense changes on protein structure and function are either unavailable or do not agree on the potential impact of this missense change (SIFT: "Deleterious"; PolyPhen-2: "Possibly Damaging"; Align-GVGD: "Class C0"). In summary, the available evidence is currently insufficient to determine the role of this variant in disease. Therefore, it has been classified as a Variant of Uncertain Significance.

NM_000103.4(CYP19A1):c.948C>G (p.Phe316Leu)

Genes: CYP19A1 (cytochrome P450 family 19 subfamily A member 1; minus strand), MIR4713HG (MIR4713 host gene; plus strand), PIRC66 (piwi-interacting RNA cluster 66; plus strand). Cytogenetic location: 15q21.2.
Variant type: single nucleotide variant.
Coding change: c.948C>G on transcript NM_000103.4 (MANE Select); coding-DNA position 948, C replaced by G.
Protein change: p.Phe316Leu; replaces phenylalanine 316 with leucine.
Molecular consequence: missense variant.
Genome position (GRCh38, 1-based): chr15:51,215,143, G>C on the plus strand (C>G on the coding strand, the complement: CYP19A1 is on the minus strand). VCF-style: chr15-51215143-G-C. GRCh37 (hg19) VCF-style: chr15-51507340-G-C.
Other names: c.948C>G, p.Phe316Leu (NM_001347248.1, NM_001347249.2, NM_001347250.2 and 7 more transcripts); short protein forms F316L.
Identifiers: ClinVar variation 2141794 (VCV002141794.1), dbSNP rs1391027657, ClinGen allele CA392425243.